The following is an entry in ClinVar:

NM_003151.4(STAT4):c.1853G>A (p.Gly618Glu)

Gene: STAT4 (signal transducer and activator of transcription 4; minus strand). Cytogenetic location: 2q32.2.
Variant type: single nucleotide variant.
Coding change: c.1853G>A on transcript NM_003151.4 (MANE Select); coding-DNA position 1853, G replaced by A.
Protein change: p.Gly618Glu; replaces glycine 618 with glutamic acid.
Molecular consequence: missense variant.
Genome position (GRCh38, 1-based): chr2:191,033,149, C>T on the plus strand (G>A on the coding strand, the complement: STAT4 is on the minus strand). VCF-style: chr2-191033149-C-T. GRCh37 (hg19) VCF-style: chr2-191897875-C-T.
Other names: c.1853G>A, p.Gly618Glu (NM_001243835.2); short protein forms G618E.
Identifiers: ClinVar variation 2631125 (VCV002631125.1), dbSNP rs776987023, ClinGen allele CA349907711.
Genomic context (GRCh38, chr2:191,033,149, plus strand): 5'-AATGGCAGAGCAGACAACCGGCCTTTATTGTAGGGTTCTACAGAGTGGAATCTCACTTCC[C>T]CTTGAAAAACAGAAATTGGAGAAATATACAGGTTCCTGTACACATTCCTTGTGACCATTT-3'
Protein context (NP_003142.1, residues 608-628): TFTWVDHSES[Gly618Glu]EVRFHSVEPY

ClinVar aggregate classification (germline): Uncertain significance (1 of 4 stars; one submission).

Conditions:
STAT4-related disorder. Also called: STAT4-related condition.

gnomAD v4.1: 4 of 1,611,524 alleles (0.00025%); highest among the groups gnomAD compares: Non-Finnish European, 0.00034%; no homozygotes.

Submission:

PreventionGenetics, part of Exact Sciences
Classification: Uncertain significance for STAT4-related condition. Last evaluated: 2023-09-29. Review status: criteria provided, single submitter. Criteria: ACMG Guidelines, 2015. Collection method: clinical testing. Allele origin: germline.
Comment: The STAT4 c.1853G>A variant is predicted to result in the amino acid substitution p.Gly618Glu. To our knowledge, this variant has not been reported in the literature or in a large population database, indicating this variant is rare. At this time, the clinical significance of this variant is uncertain due to the absence of conclusive functional and genetic evidence.